The following is an entry in ClinVar:

ClinVar aggregate classification (germline): Pathogenic. Review status: criteria provided, multiple submitters, no conflicts (2 of 4 stars). 8 submissions from 8 submitters: Pathogenic (7). 1 of the submissions does not count toward it. Last evaluated 2026-06-01.

Conditions:
Tuberous sclerosis syndrome (TSC). Also called: Tuberous Sclerosis Complex; Tuberous sclerosis. Identifiers: Orphanet 805, MedGen C0041341, MONDO:0001734.
Tuberous sclerosis 2 (TSC2). Identifiers: Orphanet 805, MedGen C1860707, MONDO:0013199, OMIM 613254.
TSC2-related disorder. Also called: TSC2-related condition; TSC2-Related Disorders.
Hereditary cancer-predisposing syndrome. Also called: Tumor predisposition; Hereditary Cancer Syndrome; Hereditary neoplastic syndrome; Neoplastic Syndromes, Hereditary. Identifiers: Orphanet 140162, MedGen C0027672, MeSH D009386, MONDO:0015356.
Cortical tubers. Identifiers: MedGen C1968959, HP:0009717.
Neoplasm. Also called: tumor; Neoplasms; Neoplasm (disease). Identifiers: MedGen C0027651, MeSH D009369, MONDO:0005070, HP:0002664.

Submissions (8):

CeGaT Center for Human Genetics Tuebingen
Classification: Pathogenic. Last evaluated: 2026-06-01. Review status: criteria provided, single submitter. Criteria: CeGaT Center For Human Genetics Tuebingen Variant Classification Criteria Version 2. Collection method: clinical testing. Allele origin: germline. Affected: yes. Observed: 1 variant allele.
Comment: TSC2: PM2, PS2:Moderate, PS3:Moderate, PS4:Moderate, PP3, PP4

Labcorp Genetics (formerly Invitae), Labcorp
Classification: Pathogenic for Tuberous sclerosis 2. Last evaluated: 2025-04-09. Review status: criteria provided, single submitter. Criteria: Invitae Variant Classification Sherloc (09022015). Collection method: clinical testing. Allele origin: germline.
Comment: This sequence change falls in intron 25 of the TSC2 gene. It does not directly change the encoded amino acid sequence of the TSC2 protein. RNA analysis indicates that this variant induces altered splicing and may result in an absent or altered protein product. This variant is not present in population databases (gnomAD no frequency). This variant has been observed in individual(s) with tuberous sclerosis complex (PMID: 25927202, 29932062, 32211034, 32581362). In at least one individual the variant was observed to be de novo. ClinVar contains an entry for this variant (Variation ID: 570837). Studies have shown that this variant results in the insertion of 120 nucleotides upstream of exon 26, and produces a non-functional protein and/or introduces a premature termination codon (PMID: 25927202). For these reasons, this variant has been classified as Pathogenic.

Department of Pathology and Laboratory Medicine, Sinai Health System
Classification: Pathogenic for tuberous sclerosis. Last evaluated: 2024-07-12. Review status: criteria provided, single submitter. Criteria: ACMG Guidelines, 2015. Collection method: clinical testing. Allele origin: germline.

Blueprint Genetics
Classification: Pathogenic for TSC2-related disorders. Last evaluated: 2024-04-05. Review status: criteria provided, single submitter. Criteria: ACMG Guidelines, 2015. Collection method: clinical testing. Allele origin: germline. Affected: yes. Observed: 1 variant allele.

Ambry Genetics
Classification: Pathogenic for Hereditary cancer-predisposing syndrome. Last evaluated: 2023-06-12. Review status: criteria provided, single submitter. Criteria: Ambry Variant Classification Scheme 2023. Collection method: clinical testing. Allele origin: germline.
Comment: The c.2838-122G>A intronic pathogenic mutation results from a G to A substitution 122 nucleotides upstream from coding exon 25 in the TSC2 gene. This alteration has been observed in multiple individuals with a personal and/or family history that is consistent with TSC2-related disease, including having been identified as de novo in one patient (Ambry internal data; Nellist, M et al. BMC Med Genet 2015 Feb;16:10; Ding, Y et al. Front Genet 2020 Mar;11:204.). This nucleotide position is well conserved in available vertebrate species. In silico splice site analysis predicts that this alteration will result in the creation or strengthening of a novel splice acceptor site. RNA studies have demonstrated this alteration to create a novel acceptor and result in a transcript expected to undergo nonsense-mediated mRNA decay (Nellist, M et al. BMC Med Genet 2015 Feb;16:10). This variant is considered to be rare based on population cohorts in the Genome Aggregation Database (gnomAD). Based on the supporting evidence, this alteration is interpreted as a disease-causing mutation.

Genome-Nilou Lab
Classification: Pathogenic for Tuberous sclerosis 2. Last evaluated: 2021-11-07. Review status: criteria provided, single submitter. Criteria: ACMG Guidelines, 2015. Collection method: clinical testing. Allele origin: germline. Affected: no.

GeneDx
Classification: Pathogenic. Last evaluated: 2021-04-09. Review status: criteria provided, single submitter. Criteria: GeneDx Variant Classification Process June 2021. Collection method: clinical testing. Allele origin: germline. Affected: yes.
Comment: Published functional studies suggest that c.2838-122 G>A results in a truncated protein due to abnormal splicing (Nellist et al., 2015).; In silico analysis, which includes splice predictors and evolutionary conservation, supports a deleterious effect; No data available from control populations to assess the frequency of this variant; This variant is associated with the following publications: (PMID: 32581362, 32211034, 30904096, 21520333, 27406250, 29932062, 25927202)

NIHR Bioresource Rare Diseases, University of Cambridge
Classification: Likely pathogenic for Neoplasm; Cortical tubers. Review status: no assertion criteria provided. Collection method: research. Allele origin: unknown. Affected: yes. Observed: 1 variant allele. Not counted in ClinVar's aggregate classification.

Literature cited by the submitters: PubMed 25927202 (cited by 3 submitters); PubMed 29932062 (cited by Labcorp Genetics (formerly Invitae), Labcorp); PubMed 32211034 (cited by 3 submitters); PubMed 32581362 (cited by Labcorp Genetics (formerly Invitae), Labcorp and NIHR Bioresource Rare Diseases, University of Cambridge).

NM_000548.5(TSC2):c.2838-122G>A

Gene: TSC2 (TSC complex subunit 2; plus strand). Cytogenetic location: 16p13.3.
Variant type: single nucleotide variant.
Coding change: c.2838-122G>A on transcript NM_000548.5 (MANE Select); 122 bases into the intron before coding-DNA position 2838, G replaced by A.
Molecular consequence: intron variant.
Genome position (GRCh38, 1-based): chr16:2,077,476, G>A. VCF-style: chr16-2077476-G-A. GRCh37 (hg19) VCF-style: chr16-2127477-G-A.
Other names: c.2838-122G>A (NM_001114382.3); c.2837+891G>A (NM_021055.3, NM_001370405.1, NM_001363528.2 and 2 more transcripts); c.2726+891G>A (NM_001318827.2); c.2237+891G>A (NM_001318831.2); c.2690+891G>A (NM_001318829.2); c.2870+891G>A (NM_001318832.2).
Identifiers: ClinVar variation 570837 (VCV000570837.22), dbSNP rs1567489890, ClinGen allele CA891843876.